The following is an entry in ClinVar:

NM_001283009.2(RTEL1):c.2924G>T (p.Gly975Val)

Genes: RTEL1 (regulator of telomere elongation helicase 1; plus strand), RTEL1-TNFRSF6B (RTEL1-TNFRSF6B readthrough (NMD candidate); plus strand). Cytogenetic location: 20q13.33.
Variant type: single nucleotide variant.
Coding change: c.2924G>T on transcript NM_001283009.2 (MANE Select); coding-DNA position 2924, G replaced by T.
Protein change: p.Gly975Val; replaces glycine 975 with valine.
Molecular consequence: missense variant. On other transcripts: non-coding transcript variant (1).
Genome position (GRCh38, 1-based): chr20:63,693,215, G>T. VCF-style: chr20-63693215-G-T. GRCh37 (hg19) VCF-style: chr20-62324568-G-T.
Other names: c.2255G>T, p.Gly752Val (NM_001283010.1); c.2924G>T, p.Gly975Val (NM_016434.4); c.2996G>T, p.Gly999Val (NM_032957.5); short protein forms G975V, G999V, G752V.
Identifiers: ClinVar variation 3948493 (VCV003948493.1).

ClinVar aggregate classification (germline): Uncertain significance (1 of 4 stars; one submission).

Conditions:
Inborn genetic diseases. Identifiers: MedGen C0950123, MeSH D030342.

gnomAD v4.1: 3 of 1,612,030 alleles (0.00019%); highest among the groups gnomAD compares: Admixed American, 0.0017%; no homozygotes.

Submission:

Ambry Genetics
Classification: Uncertain significance for Inborn genetic diseases. Last evaluated: 2025-06-14. Review status: criteria provided, single submitter. Criteria: Ambry Variant Classification Scheme 2023. Collection method: clinical testing. Allele origin: germline.
Comment: The p.G975V variant (also known as c.2924G>T), located in coding exon 29 of the RTEL1 gene, results from a G to T substitution at nucleotide position 2924. The glycine at codon 975 is replaced by valine, an amino acid with dissimilar properties. This amino acid position is conserved. In addition, this alteration is predicted to be tolerated by in silico analysis. Based on the available evidence, the clinical significance of this variant remains unclear.